The following is an entry in ClinVar:

ClinVar aggregate classification (germline): Uncertain significance (1 of 4 stars; one submission).

Conditions:
Cardiovascular phenotype. Identifiers: MedGen CN230736.

Allele frequency attached by ClinVar (database versions not stated): gnomAD 0.00001.
gnomAD v4.1: 2 of 1,611,958 alleles (0.00012%); highest among the groups gnomAD compares: Admixed American, 0.0017%; no homozygotes.

Submission:

Ambry Genetics
Classification: Uncertain significance for Cardiovascular phenotype. Last evaluated: 2024-02-17. Review status: criteria provided, single submitter. Criteria: Ambry Variant Classification Scheme 2023. Collection method: clinical testing. Allele origin: germline.
Comment: The p.L1644R variant (also known as c.4931T>G), located in coding exon 12 of the TNXB gene, results from a T to G substitution at nucleotide position 4931. The leucine at codon 1644 is replaced by arginine, an amino acid with dissimilar properties. This amino acid position is conserved. In addition, the in silico prediction for this alteration is inconclusive. Based on the available evidence, the clinical significance of this alteration remains unclear.

NM_001365276.2(TNXB):c.4931T>G (p.Leu1644Arg)

Gene: TNXB (tenascin XB; minus strand). Cytogenetic location: 6p21.33.
Variant type: single nucleotide variant.
Coding change: c.4931T>G on transcript NM_001365276.2 (MANE Select); coding-DNA position 4931, T replaced by G.
Protein change: p.Leu1644Arg; replaces leucine 1644 with arginine.
Molecular consequence: missense variant.
Genome position (GRCh38, 1-based): chr6:32,072,049, A>C on the plus strand (T>G on the coding strand, the complement: TNXB is on the minus strand). VCF-style: chr6-32072049-A-C. GRCh37 (hg19) VCF-style: chr6-32039826-A-C.
Other names: c.5672T>G, p.Leu1891Arg (NM_001428335.1); c.4931T>G, p.Leu1644Arg (NM_019105.8); short protein forms L1644R, L1891R.
Identifiers: ClinVar variation 3227285 (VCV003227285.1), dbSNP rs1778802691, ClinGen allele CA363419237.